The following is an entry in ClinVar:

ClinVar aggregate classification (germline): Uncertain significance. Review status: criteria provided, multiple submitters, no conflicts (2 of 4 stars). 2 submissions from 2 submitters: Uncertain significance (2). Last evaluated 2025-02-19.

Conditions:
Hereditary cancer-predisposing syndrome. Also called: Neoplastic Syndromes, Hereditary; Tumor predisposition; Hereditary Cancer Syndrome; Hereditary neoplastic syndrome. Identifiers: Orphanet 140162, MedGen C0027672, MeSH D009386, MONDO:0015356.
POLD1-related polyposis and colorectal cancer syndrome (CRCS10). Also called: Colorectal cancer 10; COLORECTAL CANCER, SUSCEPTIBILITY TO, ON CHROMOSOME 19q; Colorectal cancer, susceptibility to, 10. Identifiers: Orphanet 220460, MedGen C2675481, MONDO:0012953, OMIM 612591.

Submissions (2):

Labcorp Genetics (formerly Invitae), Labcorp
Classification: Uncertain significance for POLD1-related polyposis and colorectal cancer syndrome. Last evaluated: 2025-02-19. Review status: criteria provided, single submitter. Criteria: Invitae Variant Classification Sherloc (09022015). Collection method: clinical testing. Allele origin: germline.
Comment: This sequence change falls in intron 8 of the POLD1 gene. It does not directly change the encoded amino acid sequence of the POLD1 protein. It affects a nucleotide within the consensus splice site. This variant is not present in population databases (gnomAD no frequency). This variant has not been reported in the literature in individuals affected with POLD1-related conditions. Variants that disrupt the consensus splice site are a relatively common cause of aberrant splicing (PMID: 17576681, 9536098). Studies have shown that this variant is associated with inconclusive levels of altered splicing (internal data). In summary, the available evidence is currently insufficient to determine the role of this variant in disease. Therefore, it has been classified as a Variant of Uncertain Significance.

Ambry Genetics
Classification: Uncertain significance for Hereditary cancer-predisposing syndrome. Last evaluated: 2025-01-21. Review status: criteria provided, single submitter. Criteria: Ambry Variant Classification Scheme 2023. Collection method: clinical testing. Allele origin: germline.
Comment: The c.970+5G>A intronic variant results from a G to A substitution 5 nucleotides after coding exon 7 in the POLD1 gene. This nucleotide position is well conserved in available vertebrate species. In silico splice site analysis for this alteration is inconclusive. Based on the available evidence, the clinical significance of this variant remains unclear.

Literature cited by the submitters: PubMed 17576681 (cited by Labcorp Genetics (formerly Invitae), Labcorp); PubMed 9536098 (cited by Labcorp Genetics (formerly Invitae), Labcorp).

NM_002691.4(POLD1):c.970+5G>A

Gene: POLD1 (DNA polymerase delta 1, catalytic subunit; plus strand). Cytogenetic location: 19q13.33.
Variant type: single nucleotide variant.
Coding change: c.970+5G>A on transcript NM_002691.4 (MANE Select); 5 bases into the intron after coding-DNA position 970, G replaced by A.
Molecular consequence: intron variant.
Genome position (GRCh38, 1-based): chr19:50,402,746, G>A. VCF-style: chr19-50402746-G-A. GRCh37 (hg19) VCF-style: chr19-50906003-G-A.
Other names: c.970+5G>A (NM_001256849.1, NM_001308632.1).
Identifiers: ClinVar variation 3781351 (VCV003781351.2).
Genomic context (GRCh38, chr19:50,402,746, plus strand): 5'-GCGCATTGCGCCCTTGCGCGTGCTCAGCTTCGATATCGAGTGCGCCGGCCGCAAAGGTCT[G>A]TCCCCGGGCCCGGGCTCCTGCCCGCCTCATTGATGTGCCAAGTCGGGGGTCGGAAAGGCA-3'